The following is an entry in ClinVar:

NM_019074.4(DLL4):c.200C>T (p.Ala67Val)

Gene: DLL4 (delta like canonical Notch ligand 4; plus strand). Cytogenetic location: 15q15.1.
Variant type: single nucleotide variant.
Coding change: c.200C>T on transcript NM_019074.4 (MANE Select); coding-DNA position 200, C replaced by T.
Protein change: p.Ala67Val; replaces alanine 67 with valine.
Molecular consequence: missense variant.
Genome position (GRCh38, 1-based): chr15:40,929,980, C>T. VCF-style: chr15-40929980-C-T. GRCh37 (hg19) VCF-style: chr15-41222178-C-T.
Other names: short protein forms A67V.
Identifiers: ClinVar variation 1707857 (VCV001707857.4), dbSNP rs534328045, ClinGen allele CA7487606.

ClinVar aggregate classification (germline): Conflicting classifications of pathogenicity. Review status: criteria provided, conflicting classifications (1 of 4 stars). 3 submissions from 3 submitters: Uncertain significance (2); Likely benign (1). Last evaluated 2025-10-01.

Conditions:
Inborn genetic diseases. Identifiers: MedGen C0950123, MeSH D030342.

Allele frequency attached by ClinVar (database versions not stated): gnomAD 0.00003; gnomAD exomes 0.00003; ExAC 0.00006; 1000 Genomes Project 30x 0.00031; 1000 Genomes Project 0.00040.

Submissions (3):

Labcorp Genetics (formerly Invitae), Labcorp
Classification: Uncertain significance. Last evaluated: 2025-10-01. Review status: criteria provided, single submitter. Criteria: Invitae Variant Classification Sherloc (09022015). Collection method: clinical testing. Allele origin: germline.
Comment: This sequence change replaces alanine, which is neutral and non-polar, with valine, which is neutral and non-polar, at codon 67 of the DLL4 protein (p.Ala67Val). This variant is present in population databases (rs534328045, gnomAD 0.04%). This variant has not been reported in the literature in individuals affected with DLL4-related conditions. ClinVar contains an entry for this variant (Variation ID: 1707857). Invitae Evidence Modeling of protein sequence and biophysical properties (such as structural, functional, and spatial information, amino acid conservation, physicochemical variation, residue mobility, and thermodynamic stability) indicates that this missense variant is not expected to disrupt DLL4 protein function with a negative predictive value of 80%. In summary, the available evidence is currently insufficient to determine the role of this variant in disease. Therefore, it has been classified as a Variant of Uncertain Significance.

Ambry Genetics
Classification: Likely benign for Inborn genetic diseases. Last evaluated: 2025-05-04. Review status: criteria provided, single submitter. Criteria: Ambry Variant Classification Scheme 2023. Collection method: clinical testing. Allele origin: germline.

GeneDx
Classification: Uncertain significance. Last evaluated: 2022-03-31. Review status: criteria provided, single submitter. Criteria: GeneDx Variant Classification Process June 2021. Collection method: clinical testing. Allele origin: germline. Affected: yes.
Comment: In silico analysis supports that this missense variant does not alter protein structure/function; Has not been previously published as pathogenic or benign to our knowledge